The following is an entry in ClinVar:

NM_001110556.2(FLNA):c.1958A>G (p.Asp653Gly)

Gene: FLNA (filamin A; minus strand). Cytogenetic location: Xq28.
Variant type: single nucleotide variant.
Coding change: c.1958A>G on transcript NM_001110556.2 (MANE Select); coding-DNA position 1958, A replaced by G.
Protein change: p.Asp653Gly; replaces aspartic acid 653 with glycine.
Molecular consequence: missense variant.
Genome position (GRCh38, 1-based): chrX:154,364,590, T>C on the plus strand (A>G on the coding strand, the complement: FLNA is on the minus strand). VCF-style: chrX-154364590-T-C. GRCh37 (hg19) VCF-style: chrX-153592958-T-C.
Other names: c.1958A>G, p.Asp653Gly (NM_001456.4); short protein forms D653G.
Identifiers: ClinVar variation 573649 (VCV000573649.11), dbSNP rs1249111377, ClinGen allele CA415241424.
Genomic context (GRCh38, chrX:154,364,590, plus strand): 5'-TCTGGGTGGAAGTCCTGGGGCGCGTCACGGATGTCAGCCATGAAGGGGCTGAGGCGGATG[T>C]CTTCGCTGTTGCACAGCACGTGAACGGCATACTCGCCAGCCTCCTGCGGCCAGTAGCGCA-3'
Protein context (NP_001104026.1, residues 643-663): YAVHVLCNSE[Asp653Gly]IRLSPFMADI

ClinVar aggregate classification (germline): Uncertain significance. Review status: criteria provided, multiple submitters, no conflicts (2 of 4 stars). 2 submissions from 2 submitters: Uncertain significance (2). Last evaluated 2026-05-17.

Conditions:
Heterotopia, periventricular, X-linked dominant (PVNH1). Also called: PERIVENTRICULAR NODULAR HETEROTOPIA 1; HETEROTOPIA, PERIVENTRICULAR, 1; PERIVENTRICULAR NODULAR HETEROTOPIA 4; X-linked periventricular heterotopia. Identifiers: Orphanet 2149, Orphanet 82004, MedGen C1848213, MONDO:0010233, OMIM 300049.
Melnick-Needles syndrome (MNS). Also called: MELNICK-NEEDLES OSTEODYSPLASTY; OSTEODYSPLASTY OF MELNICK AND NEEDLES; Melnick-Needles Syndrome (FLNA-MNS). Identifiers: Orphanet 2484, MedGen C0025237, MONDO:0010650, OMIM 309350.
Oto-palato-digital syndrome, type II (OPD2). Also called: OPD II SYNDROME; FACIOPALATOOSSEOUS SYNDROME; Otopalatodigital Syndrome Type 2 (FLNA-OPD2); Otopalatodigital Syndrome, Type II. Identifiers: Orphanet 669, Orphanet 90652, MedGen C1844696, MONDO:0010571, OMIM 304120.
Frontometaphyseal dysplasia (FMD1). Identifiers: Orphanet 1826, MedGen C0265293, MONDO:0015942.
Familial thoracic aortic aneurysm and aortic dissection (TAAD). Also called: Thoracic aortic aneurysms and dissections. Identifiers: Orphanet 91387, MedGen C4707243, MONDO:0019625.

Allele frequency attached by ClinVar (database versions not stated): TOPMed below 0.00001; gnomAD exomes 0.00001.

Submissions (2):

Ambry Genetics
Classification: Uncertain significance for Familial thoracic aortic aneurysm and aortic dissection. Last evaluated: 2026-05-17. Review status: criteria provided, single submitter. Criteria: Ambry Variant Classification Scheme 2023. Collection method: clinical testing. Allele origin: germline.
Comment: The p.D653G variant (also known as c.1958A>G), located in coding exon 12 of the FLNA gene, results from an A to G substitution at nucleotide position 1958. The aspartic acid at codon 653 is replaced by glycine, an amino acid with similar properties. This amino acid position is conserved. In addition, this alteration is predicted to be deleterious by in silico analysis. Based on the available evidence, the clinical significance of this variant remains unclear.

Labcorp Genetics (formerly Invitae), Labcorp
Classification: Uncertain significance for Oto-palato-digital syndrome, type II; Heterotopia, periventricular, X-linked dominant; Frontometaphyseal dysplasia; Melnick-Needles syndrome. Last evaluated: 2026-01-11. Review status: criteria provided, single submitter. Criteria: Invitae Variant Classification Sherloc (09022015). Collection method: clinical testing. Allele origin: germline.
Comment: This sequence change replaces aspartic acid, which is acidic and polar, with glycine, which is neutral and non-polar, at codon 653 of the FLNA protein (p.Asp653Gly). This variant is not present in population databases (gnomAD no frequency). This variant has not been reported in the literature in individuals affected with FLNA-related conditions. ClinVar contains an entry for this variant (Variation ID: 573649). Invitae Evidence Modeling of protein sequence and biophysical properties (such as structural, functional, and spatial information, amino acid conservation, physicochemical variation, residue mobility, and thermodynamic stability) has been performed for this missense variant. However, the output from this modeling did not meet the statistical confidence thresholds required to predict the impact of this variant on FLNA protein function. In summary, the available evidence is currently insufficient to determine the role of this variant in disease. Therefore, it has been classified as a Variant of Uncertain Significance.